The following is an entry in ClinVar:

ClinVar aggregate classification (germline): Benign/Likely benign. Review status: criteria provided, multiple submitters, no conflicts (2 of 4 stars). 3 submissions from 3 submitters: Benign (1); Likely benign (1). 1 of the submissions does not count toward it. Last evaluated 2026-02-02.

Conditions:
TOP2B-related disorder. Also called: TOP2B-related condition.

Submissions (3):

Labcorp Genetics (formerly Invitae), Labcorp
Classification: Benign. Last evaluated: 2026-02-02. Review status: criteria provided, single submitter. Criteria: Invitae Variant Classification Sherloc (09022015). Collection method: clinical testing. Allele origin: germline.

Laboratory of Genetics, Children's Clinical University Hospital Latvia
Classification: Likely benign. Last evaluated: 2025-02-16. Review status: criteria provided, single submitter. Criteria: ACMG Guidelines, 2015. Collection method: clinical testing. Allele origin: germline. Affected: yes.

PreventionGenetics, part of Exact Sciences
Classification: Likely benign for TOP2B-related condition. Last evaluated: 2022-01-03. Review status: no assertion criteria provided. Collection method: clinical testing. Allele origin: germline. Not counted in ClinVar's aggregate classification.
Comment: This variant is classified as likely benign based on ACMG/AMP sequence variant interpretation guidelines (Richards et al. 2015 PMID: 25741868, with internal and published modifications).

NM_001330700.2(TOP2B):c.396-15_396-5del

Gene: TOP2B (DNA topoisomerase II beta; minus strand). Cytogenetic location: 3p24.2.
Variant type: Deletion.
Coding change: c.396-15_396-5del on transcript NM_001330700.2 (MANE Select); 15 bases into the intron before coding-DNA position 396 through 5 bases into the intron before coding-DNA position 396, 11 bases deleted (TTTTTTTTTTT).
Molecular consequence: intron variant.
Genome position (GRCh38, 1-based): chr3:25,638,315-25,638,325, AAAAAAAAAAA deleted on the plus strand (TTTTTTTTTTT on the coding strand, the reverse complement: TOP2B is on the minus strand); deleting any 11 consecutive bases within chr3:25,638,315-25,638,352 gives the same sequence; the c. name uses the placement nearest the transcript's 3' end. VCF-style (leftmost placement, unchanged base first): chr3-25638314-TAAAAAAAAAAA-T. GRCh37 (hg19) VCF-style: chr3-25679805-TAAAAAAAAAAA-T.
Other names: c.381-15_381-5del (NM_001068.3); c.396-15_396-5del11 (NM_001330700.1).
Identifiers: ClinVar variation 1169897 (VCV001169897.10), dbSNP rs56986587, ClinGen allele CA905648760.